The following is an entry in ClinVar:

ClinVar aggregate classification (germline): Benign. Review status: criteria provided, multiple submitters, no conflicts (2 of 4 stars). 2 submissions from 2 submitters: Benign (2). Last evaluated 2019-10-16.

Allele frequency attached by ClinVar (database versions not stated): 1000 Genomes Project 0.15216; 1000 Genomes Project 30x 0.16115.
gnomAD v4.1: 26,455 of 443,310 alleles (6%); highest among the groups gnomAD compares: African/African-American, 48%; 5,870 homozygotes.

Submissions (2):

GeneDx
Classification: Benign. Last evaluated: 2019-10-16. Review status: criteria provided, single submitter. Criteria: GeneDx Variant Classification Process June 2021. Collection method: clinical testing. Allele origin: germline. Affected: yes.
Comment: This variant is associated with the following publications: (PMID: 30786001)

Breakthrough Genomics
Classification: Benign. Review status: criteria provided, single submitter. Criteria: ACMG Guidelines, 2015. Collection method: not provided. Allele origin: germline. Inheritance: Autosomal recessive inheritance. Affected: yes.

NM_020547.3(AMHR2):c.1425+342C>T

Gene: AMHR2 (anti-Mullerian hormone receptor type 2; plus strand). Cytogenetic location: 12q13.13.
Variant type: single nucleotide variant.
Coding change: c.1425+342C>T on transcript NM_020547.3 (MANE Select); 342 bases into the intron after coding-DNA position 1425, C replaced by T.
Molecular consequence: intron variant.
Genome position (GRCh38, 1-based): chr12:53,430,624, C>T. VCF-style: chr12-53430624-C-T. GRCh37 (hg19) VCF-style: chr12-53824408-C-T.
Other names: c.1421+342C>T (NM_001164690.2); c.1141-553C>T (NM_001164691.2).
Identifiers: ClinVar variation 1227079 (VCV001227079.4), dbSNP rs784889, ClinGen allele CA237380804.